The following is an entry in ClinVar:

ClinVar aggregate classification (germline): Uncertain significance (1 of 4 stars; one submission).

Conditions:
Generalized epilepsy-paroxysmal dyskinesia syndrome (PNKD3). Also called: Generalized epilepsy and paroxysmal dyskinesia; Paroxysmal nonkinesigenic dyskinesia, 3, with or without generalized epilepsy. Identifiers: Orphanet 79137, MedGen C5574945, MONDO:0012276, OMIM 609446.

gnomAD v4.1: 2 of 1,606,528 alleles (0.00012%); highest among the groups gnomAD compares: Non-Finnish European, 0.00017%; no homozygotes.

Submission:

Labcorp Genetics (formerly Invitae), Labcorp
Classification: Uncertain significance for Generalized epilepsy-paroxysmal dyskinesia syndrome. Last evaluated: 2021-06-07. Review status: criteria provided, single submitter. Criteria: Invitae Variant Classification Sherloc (09022015). Collection method: clinical testing. Allele origin: germline.
Comment: This sequence change replaces threonine with methionine at codon 125 of the KCNMA1 protein (p.Thr125Met). The threonine residue is weakly conserved and there is a moderate physicochemical difference between threonine and methionine. This variant is not present in population databases (ExAC no frequency). This variant has not been reported in the literature in individuals with KCNMA1-related conditions. Algorithms developed to predict the effect of missense changes on protein structure and function are either unavailable or do not agree on the potential impact of this missense change (SIFT: "Tolerated"; PolyPhen-2: "Possibly Damaging"; Align-GVGD: "Class C0"). In summary, the available evidence is currently insufficient to determine the role of this variant in disease. Therefore, it has been classified as a Variant of Uncertain Significance.

NM_001161352.2(KCNMA1):c.374C>T (p.Thr125Met)

Gene: KCNMA1 (potassium calcium-activated channel subfamily M alpha 1; minus strand). Cytogenetic location: 10q22.3.
Variant type: single nucleotide variant.
Coding change: c.374C>T on transcript NM_001161352.2 (MANE Select); coding-DNA position 374, C replaced by T.
Protein change: p.Thr125Met; replaces threonine 125 with methionine.
Molecular consequence: missense variant.
Genome position (GRCh38, 1-based): chr10:77,637,269, G>A on the plus strand (C>T on the coding strand, the complement: KCNMA1 is on the minus strand). VCF-style: chr10-77637269-G-A. GRCh37 (hg19) VCF-style: chr10-79397027-G-A.
Other names: c.374C>T, p.Thr125Met (NM_001014797.3, NM_001161353.2, NM_001271518.2 and 12 more transcripts); short protein forms T125M.
Identifiers: ClinVar variation 1353752 (VCV001353752.8), dbSNP rs2154572092, ClinGen allele CA377412174.